The following is an entry in ClinVar:

NM_001375567.1(FOCAD):c.2997T>C (p.Val999=)

Gene: FOCAD (focadhesin; plus strand). Cytogenetic location: 9p21.3.
Variant type: single nucleotide variant.
Coding change: c.2997T>C on transcript NM_001375567.1 (MANE Select); coding-DNA position 2997, T replaced by C.
Protein change: p.Val999=; no amino-acid change (valine 999 retained).
Molecular consequence: synonymous variant.
Genome position (GRCh38, 1-based): chr9:20,926,336, T>C. VCF-style: chr9-20926336-T-C. GRCh37 (hg19) VCF-style: chr9-20926335-T-C.
Other names: c.2892T>C, p.Val964= (NM_001375568.1, NM_001375570.1); c.2997T>C, p.Val999= (NM_017794.5).
Identifiers: ClinVar variation 3044532 (VCV003044532.2), dbSNP rs1353552807, ClinGen allele CA464055921.
Genomic context (GRCh38, chr9:20,926,336, plus strand): 5'-TTTCATGTTTTTAATTCATCTGCAGGTTCAACCTAATTTCCTTTCAATGAAAGAGTGGGT[T>C]TCCATGGTACTTGATACACTCTTGGTCATTGTGGATAGCCATTACCAACCCAGAGGGCAA-3'
Protein context (NP_001362496.1, residues 989-1009): QPNFLSMKEW[Val999=]SMVLDTLLVI

ClinVar aggregate classification (germline): Likely benign (0 of 4 stars; one submission).

Conditions:
FOCAD-related disorder. Also called: FOCAD-related condition.

Allele frequency attached by ClinVar (database versions not stated): TOPMed below 0.00001; gnomAD 0.00001; gnomAD exomes 0.00003.
gnomAD v4.1: 50 of 1,613,094 alleles (0.0031%); highest among the groups gnomAD compares: Non-Finnish European, 0.0041%; no homozygotes.

Submission:

PreventionGenetics, part of Exact Sciences
Classification: Likely benign for FOCAD-related condition. Last evaluated: 2022-10-26. Review status: no assertion criteria provided. Collection method: clinical testing. Allele origin: germline.
Comment: This variant is classified as likely benign based on ACMG/AMP sequence variant interpretation guidelines (Richards et al. 2015 PMID: 25741868, with internal and published modifications).